The following is an entry in ClinVar:

NM_000535.7(PMS2):c.1494C>G (p.Ser498Arg)

Gene: PMS2 (PMS1 homolog 2, mismatch repair system component; minus strand). Cytogenetic location: 7p22.1.
Variant type: single nucleotide variant.
Coding change: c.1494C>G on transcript NM_000535.7 (MANE Select); coding-DNA position 1494, C replaced by G.
Protein change: p.Ser498Arg; replaces serine 498 with arginine.
Molecular consequence: missense variant. On other transcripts: non-coding transcript variant (1).
Genome position (GRCh38, 1-based): chr7:5,987,271, G>C on the plus strand (C>G on the coding strand, the complement: PMS2 is on the minus strand). VCF-style: chr7-5987271-G-C. GRCh37 (hg19) VCF-style: chr7-6026902-G-C.
Other names: c.1089C>G, p.Ser363Arg (NM_001018040.1, NM_001322003.2, NM_001322004.2 and 17 more transcripts); c.1338C>G, p.Ser446Arg (NM_001322006.2, NM_001406870.1); c.1176C>G, p.Ser392Arg (NM_001322007.2, NM_001322008.2, NM_001406883.1 and 2 more transcripts); c.933C>G, p.Ser311Arg (NM_001322010.2, NM_001406906.1, NM_001406907.1); c.561C>G, p.Ser187Arg (NM_001322011.2, NM_001322012.2); c.921C>G, p.Ser307Arg (NM_001322013.2, NM_001406909.1); c.1494C>G, p.Ser498Arg (NM_001322014.2, NM_001406871.1, NM_001406872.1); c.1185C>G, p.Ser395Arg (NM_001322015.2, NM_001406879.1, NM_001406880.1 and 5 more transcripts); and 12 more; short protein forms S187R, S327R, S343R, S376R, S390R, S392R, S442R, S462R.
Identifiers: ClinVar variation 2115070 (VCV002115070.4), dbSNP rs770181766, ClinGen allele CA366741781.

ClinVar aggregate classification (germline): Uncertain significance (1 of 4 stars; one submission).

Conditions:
Hereditary nonpolyposis colorectal neoplasms. Identifiers: MedGen C0009405, MeSH D003123.

gnomAD v4.1: 1 of 1,614,104 alleles (0.000062%); highest among the groups gnomAD compares: East Asian, 0.0022%; no homozygotes.

Submission:

Labcorp Genetics (formerly Invitae), Labcorp
Classification: Uncertain significance for Hereditary nonpolyposis colorectal neoplasms. Last evaluated: 2023-07-31. Review status: criteria provided, single submitter. Criteria: Invitae Variant Classification Sherloc (09022015). Collection method: clinical testing. Allele origin: germline.
Comment: In summary, the available evidence is currently insufficient to determine the role of this variant in disease. Therefore, it has been classified as a Variant of Uncertain Significance. Advanced modeling of protein sequence and biophysical properties (such as structural, functional, and spatial information, amino acid conservation, physicochemical variation, residue mobility, and thermodynamic stability) performed at Invitae indicates that this missense variant is not expected to disrupt PMS2 protein function. ClinVar contains an entry for this variant (Variation ID: 2115070). This variant has not been reported in the literature in individuals affected with PMS2-related conditions. This variant is not present in population databases (gnomAD no frequency). This sequence change replaces serine, which is neutral and polar, with arginine, which is basic and polar, at codon 498 of the PMS2 protein (p.Ser498Arg).